The following is an entry in ClinVar:

ClinVar aggregate classification (germline): Uncertain significance (1 of 4 stars; one submission).

Conditions:
Hereditary breast ovarian cancer syndrome. Also called: BRCA1- and BRCA2-Associated Hereditary Breast and Ovarian Cancer; Hereditary breast and/or ovarian cancer syndrome; Hereditary breast and ovarian cancer syndrome; Hereditary breast and ovarian cancer syndrome (HBOC); Breast and ovarian cancer; Hereditary breast and ovarian cancer. Identifiers: Orphanet 145, MedGen C0677776, MeSH D061325, MONDO:0003582. Disease mechanism: loss of function.

Submission:

Labcorp Genetics (formerly Invitae), Labcorp
Classification: Uncertain significance for Hereditary breast ovarian cancer syndrome. Last evaluated: 2022-01-03. Review status: criteria provided, single submitter. Criteria: Invitae Variant Classification Sherloc (09022015). Collection method: clinical testing. Allele origin: germline.
Comment: Advanced modeling of protein sequence and biophysical properties (such as structural, functional, and spatial information, amino acid conservation, physicochemical variation, residue mobility, and thermodynamic stability) performed at Invitae indicates that this missense variant is not expected to disrupt BRCA2 protein function. This variant has not been reported in the literature in individuals affected with BRCA2-related conditions. This variant is not present in population databases (gnomAD no frequency). In summary, the available evidence is currently insufficient to determine the role of this variant in disease. Therefore, it has been classified as a Variant of Uncertain Significance. This sequence change replaces arginine, which is basic and polar, with lysine, which is basic and polar, at codon 2424 of the BRCA2 protein (p.Arg2424Lys).

NM_000059.4(BRCA2):c.7271G>A (p.Arg2424Lys)

Gene: BRCA2 (BRCA2 DNA repair associated; plus strand). Cytogenetic location: 13q13.1.
Variant type: single nucleotide variant.
Coding change: c.7271G>A on transcript NM_000059.4 (MANE Select); coding-DNA position 7271, G replaced by A.
Protein change: p.Arg2424Lys; replaces arginine 2424 with lysine.
Molecular consequence: missense variant.
Genome position (GRCh38, 1-based): chr13:32,355,124, G>A. VCF-style: chr13-32355124-G-A. GRCh37 (hg19) VCF-style: chr13-32929261-G-A.
Other names: c.7175G>A, p.Arg2392Lys (NM_001406719.1); c.7271G>A, p.Arg2424Lys (NM_001406720.1); c.2339G>A, p.Arg780Lys (NM_001406721.1); c.854G>A, p.Arg285Lys (NM_001406722.1); short protein forms R2424K, R780K, R285K, R2392K.
Identifiers: ClinVar variation 2071879 (VCV002071879.4), dbSNP rs756057155, ClinGen allele CA387740597.